The following is an entry in ClinVar:

ClinVar aggregate classification (germline): Uncertain significance (1 of 4 stars; one submission).

Conditions:
Inborn genetic diseases. Identifiers: MedGen C0950123, MeSH D030342.

Submission:

Ambry Genetics
Classification: Uncertain significance for Inborn genetic diseases. Last evaluated: 2021-04-27. Review status: criteria provided, single submitter. Criteria: Ambry Variant Classification Scheme 2023. Collection method: clinical testing. Allele origin: germline.
Comment: The c.494C>T (p.T165I) alteration is located in exon 6 (coding exon 5) of the RAD51 gene. This alteration results from a C to T substitution at nucleotide position 494, causing the threonine (T) at amino acid position 165 to be replaced by an isoleucine (I). Based on data from the Genome Aggregation Database (gnomAD), the RAD51 c.494C>T alteration was not observed, with coverage at this position. This amino acid position is highly conserved in available vertebrate species. The in silico prediction for the p.T165I alteration is inconclusive. Based on insufficient or conflicting evidence, the clinical significance of this alteration remains unclear.

NM_002875.5(RAD51):c.494C>T (p.Thr165Ile)

Gene: RAD51 (RAD51 recombinase; plus strand). Cytogenetic location: 15q15.1.
Variant type: single nucleotide variant.
Coding change: c.494C>T on transcript NM_002875.5 (MANE Select); coding-DNA position 494, C replaced by T.
Protein change: p.Thr165Ile; replaces threonine 165 with isoleucine.
Molecular consequence: missense variant.
Genome position (GRCh38, 1-based): chr15:40,718,863, C>T. VCF-style: chr15-40718863-C-T. GRCh37 (hg19) VCF-style: chr15-41011061-C-T.
Other names: c.497C>T, p.Thr166Ile (NM_001164269.2, NM_133487.4); c.494C>T, p.Thr165Ile (NM_001164270.2); short protein forms T166I, T165I.
Identifiers: ClinVar variation 2231067 (VCV002231067.2), dbSNP rs2504486125, ClinGen allele CA391753501.